The following is an entry in ClinVar:

NM_014927.5(CNKSR2):c.503C>A (p.Thr168Lys)

Gene: CNKSR2 (connector enhancer of kinase suppressor of Ras 2; plus strand). Cytogenetic location: Xp22.12.
Variant type: single nucleotide variant.
Coding change: c.503C>A on transcript NM_014927.5 (MANE Select); coding-DNA position 503, C replaced by A.
Protein change: p.Thr168Lys; replaces threonine 168 with lysine.
Molecular consequence: missense variant.
Genome position (GRCh38, 1-based): chrX:21,440,765, C>A. VCF-style: chrX-21440765-C-A. GRCh37 (hg19) VCF-style: chrX-21458883-C-A.
Other names: c.503C>A, p.Thr168Lys (NM_001168647.3, NM_001168648.3, NM_001168649.3 and 4 more transcripts); short protein forms T168K.
Identifiers: ClinVar variation 3371145 (VCV003371145.2).

ClinVar aggregate classification (germline): Uncertain significance (1 of 4 stars; one submission).

Submission:

GeneDx
Classification: Uncertain significance. Last evaluated: 2025-04-09. Review status: criteria provided, single submitter. Criteria: GeneDx Variant Classification Process June 2021. Collection method: clinical testing. Allele origin: germline. Affected: yes.
Comment: Not observed at significant frequency in large population cohorts (gnomAD); In silico analysis supports that this missense variant has a deleterious effect on protein structure/function; Has not been previously published as pathogenic or benign to our knowledge